The following is an entry in ClinVar:

ClinVar aggregate classification (germline): Pathogenic (1 of 4 stars; one submission).

Submission:

Labcorp Genetics (formerly Invitae), Labcorp
Classification: Pathogenic. Last evaluated: 2025-07-13. Review status: criteria provided, single submitter. Criteria: Invitae Variant Classification Sherloc (09022015). Collection method: clinical testing. Allele origin: germline.
Comment: This sequence change creates a premature translational stop signal (p.Gly15Alafs*49) in the SETBP1 gene. It is expected to result in an absent or disrupted protein product. Loss-of-function variants in SETBP1 are known to be pathogenic (PMID: 21037274, 25217958). This variant is not present in population databases (gnomAD no frequency). This variant has not been reported in the literature in individuals affected with SETBP1-related conditions. ClinVar contains an entry for this variant (Variation ID: 3660799). For these reasons, this variant has been classified as Pathogenic.

Literature cited by the submitters: PubMed 21037274; PubMed 25217958.

NM_015559.3(SETBP1):c.44del (p.Gly15fs)

Gene: SETBP1 (SET binding protein 1; plus strand). Cytogenetic location: 18q12.3.
Variant type: Deletion.
Coding change: c.44del on transcript NM_015559.3 (MANE Select); coding-DNA position 44, one base deleted (G; older notation c.44delG).
Protein change: p.Gly15fs; shifts the reading frame from glycine 15.
Molecular consequence: frameshift variant.
Genome position (GRCh38, 1-based): chr18:44,701,390, G deleted; the last of 5 consecutive G bases (chr18:44,701,386-44,701,390); deleting any one gives the same sequence. VCF-style (leftmost placement, unchanged base first): chr18-44701385-AG-A. GRCh37 (hg19) VCF-style: chr18-42281350-AG-A.
Other names: c.44del, p.Gly15fs (NM_001130110.2, NM_001379141.1, NM_001379142.1 and 1 more transcripts); short protein forms G15fs.
Identifiers: ClinVar variation 3660799 (VCV003660799.2).